The following is an entry in ClinVar:

ClinVar aggregate classification (germline): Likely benign (1 of 4 stars; one submission).

Conditions:
Colorectal cancer, susceptibility to, 1. Also called: COLORECTAL ADENOMA AND CANCER, SUSCEPTIBILITY TO; COLORECTAL CANCER, SUSCEPTIBILITY TO, ON CHROMOSOME 9. Identifiers: MedGen C1837315, MONDO:0012132, OMIM 608812.

Submission:

Myriad Genetics, Inc.
Classification: Likely benign for Colorectal cancer, susceptibility to, 1. Last evaluated: 2026-04-21. Review status: criteria provided, single submitter. Criteria: Myriad Autosomal Dominant, Autosomal Recessive and X-Linked Classification Criteria (2023). Collection method: clinical testing. Allele origin: unknown.
Comment: This variant is considered likely benign. This variant is intronic and is not expected to impact mRNA splicing.

NM_024642.5(GALNT12):c.372-19A>C

Gene: GALNT12 (polypeptide N-acetylgalactosaminyltransferase 12; plus strand). Cytogenetic location: 9q22.33.
Variant type: single nucleotide variant.
Coding change: c.372-19A>C on transcript NM_024642.5 (MANE Select); 19 bases into the intron before coding-DNA position 372, A replaced by C.
Molecular consequence: intron variant.
Genome position (GRCh38, 1-based): chr9:98,823,237, A>C. VCF-style: chr9-98823237-A-C. GRCh37 (hg19) VCF-style: chr9-101585519-A-C.
Identifiers: ClinVar variation 4876139 (VCV004876139.1).